The following is an entry in ClinVar:

NM_005475.3(SH2B3):c.1123_1138del (p.Ala375fs)

Gene: SH2B3 (SH2B adaptor protein 3; plus strand). Cytogenetic location: 12q24.12.
Variant type: Deletion.
Coding change: c.1123_1138del on transcript NM_005475.3 (MANE Select); coding-DNA positions 1123 to 1138, 16 bases deleted (GCTCAGCTGGTTCAGC).
Protein change: p.Ala375fs; shifts the reading frame from alanine 375.
Molecular consequence: frameshift variant.
Genome position (GRCh38, 1-based): chr12:111,447,431-111,447,446, GCTCAGCTGGTTCAGC deleted. VCF-style (leftmost placement, unchanged base first): chr12-111447430-AGCTCAGCTGGTTCAGC-A. GRCh37 (hg19) VCF-style: chr12-111885234-AGCTCAGCTGGTTCAGC-A.
Other names: c.517_532del, p.Ala173fs (NM_001291424.1); short protein forms A173fs, A375fs.
Identifiers: ClinVar variation 5036687 (VCV005036687.1).

ClinVar aggregate classification (germline): Likely pathogenic (1 of 4 stars; one submission).

Conditions:
Essential thrombocythemia. Also called: essential thrombocytemia; Suspected essential thromboythemia. Identifiers: Orphanet 3318, MedGen C0040028, MeSH D013920, MONDO:0005029.

Submission:

Dept of Medical Biology, Uskudar University
Classification: Likely pathogenic for Essential thrombocythemia. Last evaluated: 2026-09-16. Review status: criteria provided, single submitter. Criteria: Dept of Medical Biology Variant Classification. Collection method: research. Allele origin: unknown. Affected: yes. Observed: 1 variant allele.
Comment: PVS1: frameshift predicted to cause nonsense-mediated decay (the premature termination codon is not in the last exon); loss of function of the inhibitory adaptor SH2B3 (LNK) is the established disease mechanism (PMID:20404132; PMID:30192042). PM2_supporting: absent from gnomAD v4.1. PVS1 with PM2_supporting reaches likely pathogenic under the Bayesian adaptation of the ACMG/AMP framework (PMID:29300386). Classified as likely pathogenic under the ACMG/AMP 2015 guidelines (PMID:25741868). Detected in a retrospective series of 256 BCR::ABL1-negative and JAK2 V617F-negative patients referred for molecular investigation of a suspected myeloproliferative neoplasm (May 2007 to January 2015) and re-interpreted under the ACMG/AMP 2015 criteria.

Literature cited by the submitters: PubMed 20404132.